The following is an entry in ClinVar:

ClinVar aggregate classification (germline): Benign/Likely benign. Review status: criteria provided, multiple submitters, no conflicts (2 of 4 stars). 5 submissions from 5 submitters: Benign (1); Likely benign (4). Last evaluated 2026-06-01.

Conditions:
SACS-related disorder. Also called: SACS-related condition.
Spastic paraplegia. Identifiers: MedGen C0037772, HP:0001258.

Allele frequency attached by ClinVar (database versions not stated): gnomAD exomes 0.00007 and 0.00016; ExAC 0.00021; TOPMed 0.00056; ESP Exome Variant Server 0.00077; 1000 Genomes Project 30x 0.00078; 1000 Genomes Project 0.00080.
gnomAD v4.1: 185 of 1,613,566 alleles (0.011%); highest among the groups gnomAD compares: African/African-American, 0.18%; no homozygotes.

Submissions (5):

PreventionGenetics, part of Exact Sciences
Classification: Likely benign for SACS-related condition. Last evaluated: 2026-06-01. Review status: criteria provided, single submitter. Criteria: ACMG Guidelines, 2015. Collection method: clinical testing. Allele origin: germline.
Comment: This variant is classified as likely benign based on ACMG/AMP sequence variant interpretation guidelines (Richards et al. 2015 PMID: 25741868, with internal and published modifications).

Labcorp Genetics (formerly Invitae), Labcorp
Classification: Likely benign for Spastic paraplegia. Last evaluated: 2026-01-26. Review status: criteria provided, single submitter. Criteria: Invitae Variant Classification Sherloc (09022015). Collection method: clinical testing. Allele origin: germline.

Women's Health and Genetics/Laboratory Corporation of America, LabCorp
Classification: Likely benign. Last evaluated: 2025-02-04. Review status: criteria provided, single submitter. Criteria: LabCorp Variant Classification Summary - May 2015. Collection method: clinical testing. Allele origin: germline.

Athena Diagnostics
Classification: Benign. Last evaluated: 2024-09-30. Review status: criteria provided, single submitter. Criteria: Athena Diagnostics Criteria. Collection method: clinical testing. Allele origin: unknown.

CeGaT Center for Human Genetics Tuebingen
Classification: Likely benign. Last evaluated: 2022-05-01. Review status: criteria provided, single submitter. Criteria: CeGaT Center For Human Genetics Tuebingen Variant Classification Criteria Version 2. Collection method: clinical testing. Allele origin: germline. Affected: yes. Observed: 1 variant allele.
Comment: SACS: BP4, BP7

NM_014363.6(SACS):c.6576C>T (p.Ile2192=)

Gene: SACS (sacsin molecular chaperone; minus strand). Cytogenetic location: 13q12.12.
Variant type: single nucleotide variant.
Coding change: c.6576C>T on transcript NM_014363.6 (MANE Select); coding-DNA position 6576, C replaced by T.
Protein change: p.Ile2192=; no amino-acid change (isoleucine 2192 retained).
Molecular consequence: synonymous variant.
Genome position (GRCh38, 1-based): chr13:23,337,300, G>A on the plus strand (C>T on the coding strand, the complement: SACS is on the minus strand). VCF-style: chr13-23337300-G-A. GRCh37 (hg19) VCF-style: chr13-23911439-G-A.
Other names: c.6135C>T, p.Ile2045= (NM_001278055.2); c.6576C>T (NM_014363.4).
Identifiers: ClinVar variation 458270 (VCV000458270.38), dbSNP rs145327845, ClinGen allele CA6911060.